The following is an entry in ClinVar:

ClinVar aggregate classification (germline): Likely pathogenic. Review status: criteria provided, multiple submitters, no conflicts (2 of 4 stars). 2 submissions from 2 submitters: Likely pathogenic (2). Last evaluated 2023-10-23.

Conditions:
ITGA6-related disorders.

Submissions (2):

Labcorp Genetics (formerly Invitae), Labcorp
Classification: Likely pathogenic. Last evaluated: 2023-10-23. Review status: criteria provided, single submitter. Criteria: Invitae Variant Classification Sherloc (09022015). Collection method: clinical testing. Allele origin: germline.
Comment: This sequence change affects a splice site in intron 2 of the ITGA6 gene. It is expected to disrupt RNA splicing. Variants that disrupt the donor or acceptor splice site typically lead to a loss of protein function (PMID: 16199547), and loss-of-function variants in ITGA6 are known to be pathogenic (PMID: 9158140, 9185503, 9804362, 27607025). This variant is present in population databases (rs746713750, gnomAD 0.0009%). This variant has not been reported in the literature in individuals affected with ITGA6-related conditions. In summary, the currently available evidence indicates that the variant is pathogenic, but additional data are needed to prove that conclusively. Therefore, this variant has been classified as Likely Pathogenic.

Blueprint Genetics
Classification: Likely pathogenic for ITGA6-related disorders. Last evaluated: 2021-08-25. Review status: criteria provided, single submitter. Criteria: ACMG Guidelines, 2015. Collection method: clinical testing. Allele origin: germline. Affected: yes. Observed: 1 variant allele.

Literature cited by the submitters: PubMed 16199547 (cited by Labcorp Genetics (formerly Invitae), Labcorp); PubMed 9158140 (cited by Labcorp Genetics (formerly Invitae), Labcorp); PubMed 9185503 (cited by Labcorp Genetics (formerly Invitae), Labcorp); PubMed 9804362 (cited by Labcorp Genetics (formerly Invitae), Labcorp); PubMed 27607025 (cited by Labcorp Genetics (formerly Invitae), Labcorp).

NM_000210.4(ITGA6):c.307+1dup

Genes: ITGA6 (integrin subunit alpha 6; plus strand), ITGA6-AS1 (ITGA6 and PDK1 antisense RNA 1; minus strand), PDK1-AS1 (PDK1 and ITGA6 antisense RNA 1; minus strand). Cytogenetic location: 2q31.1.
Variant type: Duplication.
Coding change: c.307+1dup on transcript NM_000210.4 (MANE Select); the canonical splice donor site of the intron after coding-DNA position 307, one base duplicated (G; older notation c.307+1dupG).
Molecular consequence: splice donor variant.
Genome position (GRCh38, 1-based): chr2:172,465,664, G duplicated; the last of 2 consecutive G bases (chr2:172,465,663-172,465,664); duplicating either gives the same sequence. VCF-style (leftmost placement, unchanged base first): chr2-172465662-T-TG. GRCh37 (hg19) VCF-style: chr2-173330390-T-TG.
Other names: c.-36+1dup (NM_001316306.2); c.307+1dup (NM_001394928.1, NM_001079818.3, NM_001365530.2 and 1 more transcripts).
Identifiers: ClinVar variation 2771301 (VCV002771301.4), dbSNP rs746713750, ClinGen allele CA1967781.
Genomic context (GRCh38, chr2:172,465,662, plus strand): 5'-GCTGTACAGCTGCGACATCACCGCCCGGGGGCCATGCACGCGGATCGAGTTTGATAACGA[T>TG]GGTGCGTTCCTTTCCCTCACTCAGCGTTCACTCCGGCAGCTTGCCTGTACTGTTTCCATG-3'